The following is an entry in ClinVar:

ClinVar aggregate classification (germline): Uncertain significance (1 of 4 stars; one submission).

gnomAD v4.1: 3 of 1,614,076 alleles (0.00019%); highest among the groups gnomAD compares: Non-Finnish European, 0.00017%; no homozygotes.

Submission:

Labcorp Genetics (formerly Invitae), Labcorp
Classification: Uncertain significance. Last evaluated: 2024-07-09. Review status: criteria provided, single submitter. Criteria: Invitae Variant Classification Sherloc (09022015). Collection method: clinical testing. Allele origin: germline.
Comment: This sequence change replaces cysteine, which is neutral and slightly polar, with serine, which is neutral and polar, at codon 360 of the WFS1 protein (p.Cys360Ser). This variant is not present in population databases (gnomAD no frequency). This variant has not been reported in the literature in individuals affected with WFS1-related conditions. Advanced modeling of protein sequence and biophysical properties (such as structural, functional, and spatial information, amino acid conservation, physicochemical variation, residue mobility, and thermodynamic stability) has been performed at Invitae for this missense variant, however the output from this modeling did not meet the statistical confidence thresholds required to predict the impact of this variant on WFS1 protein function. In summary, the available evidence is currently insufficient to determine the role of this variant in disease. Therefore, it has been classified as a Variant of Uncertain Significance.

NM_006005.3(WFS1):c.1079G>C (p.Cys360Ser)

Gene: WFS1 (wolframin ER transmembrane glycoprotein; plus strand). Cytogenetic location: 4p16.1.
Variant type: single nucleotide variant.
Coding change: c.1079G>C on transcript NM_006005.3 (MANE Select); coding-DNA position 1079, G replaced by C.
Protein change: p.Cys360Ser; replaces cysteine 360 with serine.
Molecular consequence: missense variant.
Genome position (GRCh38, 1-based): chr4:6,300,874, G>C. VCF-style: chr4-6300874-G-C. GRCh37 (hg19) VCF-style: chr4-6302601-G-C.
Other names: c.1079G>C, p.Cys360Ser (NM_001145853.1); short protein forms C360S.
Identifiers: ClinVar variation 3670890 (VCV003670890.2).
Genomic context (GRCh38, chr4:6,300,874, plus strand): 5'-TCTTCGCCTTCTTCATCCCGCTGGTCATCTTCTACCTGTCCTTCATCTCCATGGTGATCT[G>C]CACCCTCAAGGTGTTCCAGGACAGCAAGGCCTGGGAGAACTTCCGCACCCTCACCGACCT-3'
Protein context (NP_005996.2, residues 350-370): FYLSFISMVI[Cys360Ser]TLKVFQDSKA